The following is an entry in ClinVar:

ClinVar aggregate classification (germline): Pathogenic (1 of 4 stars; one submission).

Conditions:
Familial cancer of breast. Also called: BREAST CANCER, FAMILIAL; Hereditary breast cancer; hereditary breast carcinoma. Identifiers: Orphanet 227535, MedGen C0346153, MONDO:0016419, OMIM 114480. Disease mechanism: loss of function.

Submission:

Myriad Genetics, Inc.
Classification: Pathogenic for Familial cancer of breast. Last evaluated: 2024-01-22. Review status: criteria provided, single submitter. Criteria: Myriad Autosomal Dominant, Autosomal Recessive and X-Linked Classification Criteria (2023). Collection method: clinical testing. Allele origin: unknown.
Comment: This variant is considered pathogenic. This variant creates a frameshift predicted to result in premature protein truncation.

NM_000051.4(ATM):c.3509_3510del (p.Lys1170fs)

Gene: ATM (ATM serine/threonine kinase; plus strand). Cytogenetic location: 11q22.3.
Variant type: Deletion.
Coding change: c.3509_3510del on transcript NM_000051.4 (MANE Select); coding-DNA positions 3509 to 3510, 2 bases deleted (AA; older notation c.3509_3510delAA).
Protein change: p.Lys1170fs; shifts the reading frame from lysine 1170.
Molecular consequence: frameshift variant.
Genome position (GRCh38, 1-based): chr11:108,281,101-108,281,102, AA deleted; deleting any 2 consecutive bases within chr11:108,281,098-108,281,102 gives the same sequence; the c. name uses the placement nearest the transcript's 3' end. VCF-style (leftmost placement, unchanged base first): chr11-108281097-GAA-G. GRCh37 (hg19) VCF-style: chr11-108151824-GAA-G.
Other names: c.3509_3510del, p.Lys1170fs (NM_001351834.2); short protein forms K1170fs.
Identifiers: ClinVar variation 3148555 (VCV003148555.1), dbSNP rs876658899, ClinGen allele CA2825001832.
Genomic context (GRCh38, chr11:108,281,097, plus strand): 5'-AATAGAAAATCTGTTTTACTGACGTTGATAGCTGTGGTTTTATCCTGTAGCCCTATCTGC[GAA>G]AAACAGGCTTTGTTTGCCCTGTGTAAATCTGTGAAAGAGAATGGATTAGAACCTCACCTT-3'